The following is an entry in ClinVar:

NM_024642.5(GALNT12):c.642G>T (p.Leu214=)

Gene: GALNT12 (polypeptide N-acetylgalactosaminyltransferase 12; plus strand). Cytogenetic location: 9q22.33.
Variant type: single nucleotide variant.
Coding change: c.642G>T on transcript NM_024642.5 (MANE Select); coding-DNA position 642, G replaced by T.
Protein change: p.Leu214=; no amino-acid change (leucine 214 retained).
Molecular consequence: synonymous variant.
Genome position (GRCh38, 1-based): chr9:98,826,852, G>T. VCF-style: chr9-98826852-G-T. GRCh37 (hg19) VCF-style: chr9-101589134-G-T.
Identifiers: ClinVar variation 1753489 (VCV001753489.6), dbSNP rs965069742, ClinGen allele CA196819534.
Genomic context (GRCh38, chr9:98,826,852, plus strand): 5'-GCCCAAGGTGCGCCTGATCCGCGCCAACAAGAGAGAGGGCCTGGTGCGAGCCCGGCTGCT[G>T]GGGGCGTCTGCGGCGAGGGGCGATGTTCTGACCTTCCTGGACTGTCACTGTGAGTGCCAC-3'
Protein context (NP_078918.3, residues 204-224): KREGLVRARL[Leu214=]GASAARGDVL

ClinVar aggregate classification (germline): Benign/Likely benign. Review status: criteria provided, multiple submitters, no conflicts (2 of 4 stars). 3 submissions from 3 submitters: Benign (1); Likely benign (2). Last evaluated 2026-04-24.

Conditions:
Colorectal cancer, susceptibility to, 1. Also called: COLORECTAL ADENOMA AND CANCER, SUSCEPTIBILITY TO; COLORECTAL CANCER, SUSCEPTIBILITY TO, ON CHROMOSOME 9. Identifiers: MedGen C1837315, MONDO:0012132, OMIM 608812.

Allele frequency attached by ClinVar (database versions not stated): TOPMed 0.00001.

Submissions (3):

Myriad Genetics, Inc.
Classification: Benign for Colorectal cancer, susceptibility to, 1. Last evaluated: 2026-04-24. Review status: criteria provided, single submitter. Criteria: Myriad Autosomal Dominant, Autosomal Recessive and X-Linked Classification Criteria (2023). Collection method: clinical testing. Allele origin: unknown.
Comment: This variant is considered benign. This variant is a silent/synonymous amino acid change and it is not expected to impact splicing.

Labcorp Genetics (formerly Invitae), Labcorp
Classification: Likely benign. Last evaluated: 2023-03-24. Review status: criteria provided, single submitter. Criteria: Invitae Variant Classification Sherloc (09022015). Collection method: clinical testing. Allele origin: germline.

Ambry Genetics
Classification: Likely benign. Last evaluated: 2021-03-01. Review status: criteria provided, single submitter. Criteria: Ambry Variant Classification Scheme 2023. Collection method: clinical testing. Allele origin: germline.